The following is an entry in ClinVar:

ClinVar aggregate classification (germline): Uncertain significance (1 of 4 stars; one submission).

Conditions:
Dyskeratosis congenita. Identifiers: Orphanet 1775, MedGen C0265965, MONDO:0015780.

Submission:

Ambry Genetics
Classification: Uncertain significance for Dyskeratosis congenita. Last evaluated: 2024-02-28. Review status: criteria provided, single submitter. Criteria: Ambry Variant Classification Scheme 2023. Collection method: clinical testing. Allele origin: germline.
Comment: The p.V207L variant (also known as c.619G>C), located in coding exon 2 of the TERT gene, results from a G to C substitution at nucleotide position 619. The valine at codon 207 is replaced by leucine, an amino acid with highly similar properties. This amino acid position is conserved. In addition, this alteration is predicted to be tolerated by in silico analysis. Based on the available evidence, the clinical significance of this alteration remains unclear.

NM_198253.3(TERT):c.619G>C (p.Val207Leu)

Gene: TERT (telomerase reverse transcriptase; minus strand). Cytogenetic location: 5p15.33.
Variant type: single nucleotide variant.
Coding change: c.619G>C on transcript NM_198253.3 (MANE Select); coding-DNA position 619, G replaced by C.
Protein change: p.Val207Leu; replaces valine 207 with leucine.
Molecular consequence: missense variant. On other transcripts: non-coding transcript variant (2).
Genome position (GRCh38, 1-based): chr5:1,294,267, C>G on the plus strand (G>C on the coding strand, the complement: TERT is on the minus strand). VCF-style: chr5-1294267-C-G. GRCh37 (hg19) VCF-style: chr5-1294382-C-G.
Other names: c.619G>C, p.Val207Leu (NM_001193376.3, NM_003219.1); short protein forms V207L.
Identifiers: ClinVar variation 3238474 (VCV003238474.1), dbSNP rs943176303.